The following is an entry in ClinVar:

ClinVar aggregate classification (germline): Uncertain significance (1 of 4 stars; one submission).

Conditions:
Leukodystrophy, hypomyelinating, 15. Identifiers: MedGen C4693733, MONDO:0054782, OMIM 617951.

gnomAD v4.1: 1 of 1,613,926 alleles (0.000062%); no homozygotes.

Submission:

Baylor Genetics
Classification: Uncertain significance for Leukodystrophy, hypomyelinating, 15. Last evaluated: 2018-09-14. Review status: criteria provided, single submitter. Criteria: ACMG Guidelines, 2015. Collection method: clinical testing. Allele origin: paternal. Affected: yes.
Comment: This variant was determined to be of uncertain significance according to ACMG Guidelines, 2015 [PMID:25741868].

NM_004446.3(EPRS1):c.3782T>C (p.Ile1261Thr)

Gene: EPRS1 (glutamyl-prolyl-tRNA synthetase 1; minus strand). Cytogenetic location: 1q41.
Variant type: single nucleotide variant.
Coding change: c.3782T>C on transcript NM_004446.3 (MANE Select); coding-DNA position 3782, T replaced by C.
Protein change: p.Ile1261Thr; replaces isoleucine 1261 with threonine.
Molecular consequence: missense variant.
Genome position (GRCh38, 1-based): chr1:219,979,545, A>G on the plus strand (T>C on the coding strand, the complement: EPRS1 is on the minus strand). VCF-style: chr1-219979545-A-G. GRCh37 (hg19) VCF-style: chr1-220152887-A-G.
Other names: short protein forms I1261T.
Identifiers: ClinVar variation 1031422 (VCV001031422.1), dbSNP rs1660852167, ClinGen allele CA344632456.